The following is an entry in ClinVar:

ClinVar aggregate classification (germline): Uncertain significance. Review status: criteria provided, multiple submitters, no conflicts (2 of 4 stars). 5 submissions from 5 submitters: Uncertain significance (5). Last evaluated 2025-07-15.

Conditions:
Inborn genetic diseases. Identifiers: MedGen C0950123, MeSH D030342.
Cerebellar ataxia, impaired intellectual development, and dysequilibrium syndrome 1. Also called: Cerebellar hypoplasia and mental retardation with or without quadrupedal locomotion 1; Cerebellar ataxia, mental retardation, and dysequilibrium syndrome 1; Cerebellar ataxia, intellectual disability, and dysequilibrium syndrome 1; VLDLR Cerebellar Hypoplasia; CEREBELLAR ATAXIA AND MENTAL RETARDATION WITH OR WITHOUT QUADRUPEDAL LOCOMOTION 1; CEREBELLAR ATAXIA, CONGENITAL, AND MENTAL RETARDATION, AUTOSOMAL RECESSIVE. Identifiers: Orphanet 1766, MedGen C4551552, MONDO:0024542, OMIM 224050.

Allele frequency attached by ClinVar (database versions not stated): ExAC 0.00005; gnomAD 0.00005; TOPMed 0.00002.
gnomAD v4.1: 72 of 1,614,014 alleles (0.0045%); highest among the groups gnomAD compares: Non-Finnish European, 0.0055%; no homozygotes.

Submissions (5):

Ambry Genetics
Classification: Uncertain significance for Inborn genetic diseases. Last evaluated: 2025-07-15. Review status: criteria provided, single submitter. Criteria: Ambry Variant Classification Scheme 2023. Collection method: clinical testing. Allele origin: germline.

Labcorp Genetics (formerly Invitae), Labcorp
Classification: Uncertain significance. Last evaluated: 2024-10-15. Review status: criteria provided, single submitter. Criteria: Invitae Variant Classification Sherloc (09022015). Collection method: clinical testing. Allele origin: germline.
Comment: This sequence change replaces arginine, which is basic and polar, with cysteine, which is neutral and slightly polar, at codon 656 of the VLDLR protein (p.Arg656Cys). This variant is present in population databases (rs754226022, gnomAD 0.008%). This variant has not been reported in the literature in individuals affected with VLDLR-related conditions. ClinVar contains an entry for this variant (Variation ID: 366372). Invitae Evidence Modeling of protein sequence and biophysical properties (such as structural, functional, and spatial information, amino acid conservation, physicochemical variation, residue mobility, and thermodynamic stability) indicates that this missense variant is expected to disrupt VLDLR protein function with a positive predictive value of 80%. In summary, the available evidence is currently insufficient to determine the role of this variant in disease. Therefore, it has been classified as a Variant of Uncertain Significance.

Blueprint Genetics
Classification: Uncertain significance. Last evaluated: 2024-07-19. Review status: criteria provided, single submitter. Criteria: ACMG Guidelines, 2015. Collection method: clinical testing. Allele origin: germline.

Illumina Laboratory Services, Illumina
Classification: Uncertain significance for Cerebellar ataxia, impaired intellectual development, and dysequilibrium syndrome 1. Last evaluated: 2018-01-13. Review status: criteria provided, single submitter. Criteria: ICSL Variant Classification Criteria 13 December 2019. Collection method: clinical testing. Allele origin: germline.

CeGaT Center for Human Genetics Tuebingen
Classification: Uncertain significance. Last evaluated: 2017-01-01. Review status: criteria provided, single submitter. Criteria: CeGaT Center For Human Genetics Tuebingen Variant Classification Criteria Version 2. Collection method: clinical testing. Allele origin: germline. Affected: yes. Observed: 1 variant allele.

NM_003383.5(VLDLR):c.1966C>T (p.Arg656Cys)

Gene: VLDLR (very low density lipoprotein receptor; plus strand). Cytogenetic location: 9p24.2.
Variant type: single nucleotide variant.
Coding change: c.1966C>T on transcript NM_003383.5 (MANE Select); coding-DNA position 1966, C replaced by T.
Protein change: p.Arg656Cys; replaces arginine 656 with cysteine.
Molecular consequence: missense variant.
Genome position (GRCh38, 1-based): chr9:2,648,672, C>T. VCF-style: chr9-2648672-C-T. GRCh37 (hg19) VCF-style: chr9-2648672-C-T.
Other names: c.1966C>T, p.Arg656Cys (NM_001018056.3); c.1843C>T, p.Arg615Cys (NM_001322225.2, NM_001322226.2); short protein forms R656C, R615C.
Identifiers: ClinVar variation 366372 (VCV000366372.55), dbSNP rs754226022, ClinGen allele CA4965023.
Genomic context (GRCh38, chr9:2,648,672, plus strand): 5'-AGAAATGGACTTGTGTTAATCCTGGATGTACATGCTAATTGTGGGCTTCTGTTTTAGGAT[C>T]GTGTCTACTGGATAGATGGGGAAAATGAAGCAGTCTATGGTGCCAATAAATTCACTGGAT-3'
Protein context (NP_003374.3, residues 646-666): HPLALTIFED[Arg656Cys]VYWIDGENEA